The following is an entry in ClinVar:

NM_000877.4(IL1R1):c.1158C>T (p.Asp386=)

Genes: IL1R1 (interleukin 1 receptor type 1; plus strand), IL1R1-AS1 (IL1R1 antisense RNA 1; minus strand). Cytogenetic location: 2q12.1.
Variant type: single nucleotide variant.
Coding change: c.1158C>T on transcript NM_000877.4 (MANE Select); coding-DNA position 1158, C replaced by T.
Protein change: p.Asp386=; no amino-acid change (aspartic acid 386 retained).
Molecular consequence: synonymous variant. On other transcripts: intron variant (1).
Genome position (GRCh38, 1-based): chr2:102,175,500, C>T. VCF-style: chr2-102175500-C-T. GRCh37 (hg19) VCF-style: chr2-102791960-C-T.
Other names: c.1158C>T, p.Asp386= (NM_001320978.2, NM_001320980.2, NM_001320981.2 and 1 more transcripts); c.726C>T, p.Asp242= (NM_001320983.1); c.609C>T, p.Asp203= (NM_001320984.1); c.453C>T, p.Asp151= (NM_001320985.1); c.1136-71C>T (NM_001288706.2).
Identifiers: ClinVar variation 723970 (VCV000723970.28), dbSNP rs113665542, ClinGen allele CA1808440.
Genomic context (GRCh38, chr2:102,175,500, plus strand): 5'-TGCCTTGTGGTTCTAAATACATTATGTTTTTCCTTTAGCTTCAGATGGAAAGACCTATGA[C>T]GCATATATACTGTATCCAAAGACTGTTGGGGAAGGGTCTACCTCTGACTGTGATATTTTT-3'
Protein context (NP_000868.1, residues 376-396): PIKASDGKTY[Asp386=]AYILYPKTVG

ClinVar aggregate classification (germline): Benign/Likely benign. Review status: criteria provided, multiple submitters, no conflicts (2 of 4 stars). 3 submissions from 3 submitters: Benign (2); Likely benign (1). Last evaluated 2022-08-01.

Allele frequency attached by ClinVar (database versions not stated): gnomAD exomes 0.00055 and 0.00084; ExAC 0.00105; 1000 Genomes Project 0.00240; gnomAD 0.00261 and 0.00282; 1000 Genomes Project 30x 0.00265; TOPMed 0.00294; ESP Exome Variant Server 0.00354.

Submissions (3):

CeGaT Center for Human Genetics Tuebingen
Classification: Likely benign. Last evaluated: 2022-08-01. Review status: criteria provided, single submitter. Criteria: CeGaT Center For Human Genetics Tuebingen Variant Classification Criteria Version 2. Collection method: clinical testing. Allele origin: germline. Affected: yes. Observed: 1 variant allele.
Comment: IL1R1: BP4, BP7

Labcorp Genetics (formerly Invitae), Labcorp
Classification: Benign. Last evaluated: 2018-07-07. Review status: criteria provided, single submitter. Criteria: Invitae Variant Classification Sherloc (09022015). Collection method: clinical testing. Allele origin: germline.

Breakthrough Genomics
Classification: Benign. Review status: criteria provided, single submitter. Criteria: ACMG Guidelines, 2015. Collection method: not provided. Allele origin: germline. Inheritance: Unknown mechanism. Affected: yes.